The following is an entry in ClinVar:

NM_000219.6(KCNE1):c.360A>G (p.Thr120=)

Gene: KCNE1 (potassium voltage-gated channel subfamily E regulatory subunit 1; minus strand). Cytogenetic location: 21q22.12.
Variant type: single nucleotide variant.
Coding change: c.360A>G on transcript NM_000219.6 (MANE Select); coding-DNA position 360, A replaced by G.
Protein change: p.Thr120=; no amino-acid change (threonine 120 retained).
Molecular consequence: synonymous variant.
Genome position (GRCh38, 1-based): chr21:34,449,275, T>C on the plus strand (A>G on the coding strand, the complement: KCNE1 is on the minus strand). VCF-style: chr21-34449275-T-C. GRCh37 (hg19) VCF-style: chr21-35821573-T-C.
Other names: c.360A>G, p.Thr120= (NM_001127668.4, NM_001127669.4, NM_001127670.4 and 4 more transcripts).
Identifiers: ClinVar variation 3373810 (VCV003373810.2).

Conditions:
Long QT syndrome 5 (LQT5). Identifiers: Orphanet 101016, Orphanet 768, MedGen C1867904, MONDO:0013372, OMIM 613695.

Submission:

Roden Lab, Vanderbilt University Medical Center
No classification provided (evidence only). Condition: Long QT syndrome 5. Review status: no classification provided. Collection method: in vitro. Allele origin: not applicable. Functional consequence: Effect on ion channel function.
ClinVar note: "not provided" was previously submitted as the classification for the variant. However, the classification appeared to be based only on an observation of functional data so it was converted to no classification on 2025-07-30.